The following is an entry in ClinVar:

NM_172364.5(CACNA2D4):c.1010A>G (p.His337Arg)

Gene: CACNA2D4 (calcium voltage-gated channel auxiliary subunit alpha2delta 4; minus strand). Cytogenetic location: 12p13.33.
Variant type: single nucleotide variant.
Coding change: c.1010A>G on transcript NM_172364.5 (MANE Select); coding-DNA position 1010, A replaced by G.
Protein change: p.His337Arg; replaces histidine 337 with arginine.
Molecular consequence: missense variant.
Genome position (GRCh38, 1-based): chr12:1,886,023, T>C on the plus strand (A>G on the coding strand, the complement: CACNA2D4 is on the minus strand). VCF-style: chr12-1886023-T-C. GRCh37 (hg19) VCF-style: chr12-1995189-T-C.
Other names: short protein forms H337R.
Identifiers: ClinVar variation 2115194 (VCV002115194.4), dbSNP rs2497246681, ClinGen allele CA383360208.
Genomic context (GRCh38, chr12:1,886,023, plus strand): 5'-ACCTCTCGATTGTCTCGGTCCGCCTGGACGAGGATCCCTTTAAAACAAGGCTCGATGTAA[T>C]GGACGTAGTCATTGTACTGCAGTTGCAGTGAGTTGAGGGGAGGTGGGGGGAGAATAAACA-3'
Protein context (NP_758952.4, residues 327-347): INIIAYNDYV[His337Arg]YIEPCFKGIL

ClinVar aggregate classification (germline): Uncertain significance (1 of 4 stars; one submission).

Submission:

Labcorp Genetics (formerly Invitae), Labcorp
Classification: Uncertain significance. Last evaluated: 2024-11-11. Review status: criteria provided, single submitter. Criteria: Invitae Variant Classification Sherloc (09022015). Collection method: clinical testing. Allele origin: germline.
Comment: This sequence change replaces histidine, which is basic and polar, with arginine, which is basic and polar, at codon 337 of the CACNA2D4 protein (p.His337Arg). This variant is not present in population databases (gnomAD no frequency). This variant has not been reported in the literature in individuals affected with CACNA2D4-related conditions. ClinVar contains an entry for this variant (Variation ID: 2115194). An algorithm developed to predict the effect of missense changes on protein structure and function outputs the following: PolyPhen-2: "Benign". The arginine amino acid residue is found in multiple mammalian species, which suggests that this missense change does not adversely affect protein function. In summary, the available evidence is currently insufficient to determine the role of this variant in disease. Therefore, it has been classified as a Variant of Uncertain Significance.